The following is an entry in ClinVar:

ClinVar aggregate classification (germline): Pathogenic (1 of 4 stars; one submission).

Submission:

Labcorp Genetics (formerly Invitae), Labcorp
Classification: Pathogenic. Last evaluated: 2023-05-21. Review status: criteria provided, single submitter. Criteria: Invitae Variant Classification Sherloc (09022015). Collection method: clinical testing. Allele origin: germline.
Comment: For these reasons, this variant has been classified as Pathogenic. A similar copy number variant has been observed in individual(s) with Parkinson's disease (PMID: 17994548). This variant is a gross deletion of the genomic region encompassing exon(s) 6 of the PRKN gene. This deletion is out-of-frame, and is expected to create a premature termination codon and result in an absent or disrupted protein product. Loss-of-function variants in PRKN are known to be pathogenic (PMID: 10072423, 20301651, 22956510).

Literature cited by the submitters: PubMed 17994548; PubMed 10072423; PubMed 20301651; PubMed 22956510.

NC_000006.11:g.(?_162394314)_(162394469_?)del

Gene: PRKN (parkin RBR E3 ubiquitin protein ligase; minus strand). Cytogenetic location: 6q26.
Variant type: Deletion.
Identifiers: ClinVar variation 1363188 (VCV001363188.7).